The following is an entry in ClinVar:

NM_000540.3(RYR1):c.5252G>A (p.Arg1751Lys)

Gene: RYR1 (ryanodine receptor 1; plus strand). Cytogenetic location: 19q13.2.
Variant type: single nucleotide variant.
Coding change: c.5252G>A on transcript NM_000540.3 (MANE Select); coding-DNA position 5252, G replaced by A.
Protein change: p.Arg1751Lys; replaces arginine 1751 with lysine.
Molecular consequence: missense variant.
Genome position (GRCh38, 1-based): chr19:38,485,907, G>A. VCF-style: chr19-38485907-G-A. GRCh37 (hg19) VCF-style: chr19-38976547-G-A.
Other names: c.5252G>A, p.Arg1751Lys (NM_001042723.2); short protein forms R1751K.
Identifiers: ClinVar variation 4758642 (VCV004758642.1).
Genomic context (GRCh38, chr19:38,485,907, plus strand): 5'-CTGAATACATCGTGCCCCTCACGCCTGAGACCCGCGCCATCACGCTCTTCCCTCCTGGAA[G>A]GAGCACAGAAAATGGTCACCCCCGGCATGGCCTGCCGGGAGTTGGAGTCACCACTTCGCT-3'
Protein context (NP_000531.2, residues 1741-1761): TRAITLFPPG[Arg1751Lys]STENGHPRHG

ClinVar aggregate classification (germline): Uncertain significance (1 of 4 stars; one submission).

Conditions:
Malignant hyperthermia, susceptibility to, 1 (MHS1). Also called: RYR1-Related Malignant Hyperthermia Susceptibility; Malignant hyperthermia suceptibility 1; Anesthesia related hyperthermia; Malignant hyperpyrexia; Fulminating hyperpyrexia; Pharmacogenic myopathy. Identifiers: Orphanet 423, MedGen C2930980, MONDO:0007783, OMIM 145600.

gnomAD v4.1: 12 of 1,613,754 alleles (0.00074%); highest among the groups gnomAD compares: African/African-American, 0.0013%; no homozygotes.

Submission:

Color Diagnostics, LLC DBA Color Health
Classification: Uncertain significance for Malignant hyperthermia, susceptibility to, 1. Last evaluated: 2023-11-15. Review status: criteria provided, single submitter. Criteria: ACMG Guidelines, 2015. Collection method: clinical testing. Allele origin: germline.
Comment: This missense variant replaces arginine with lysine at codon 1751 of the RYR1 protein. Computational prediction suggests that this variant may not impact protein structure and function. To our knowledge, functional studies have not been reported for this variant. This variant has not been reported in individuals affected with RYR1-related disorders in the literature. This variant has been identified in 1/245394 chromosomes in the general population by the Genome Aggregation Database (gnomAD). The available evidence is insufficient to determine the role of this variant in disease conclusively. Therefore, this variant is classified as a Variant of Uncertain Significance.